The following is an entry in ClinVar:

ClinVar aggregate classification (germline): Uncertain significance (1 of 4 stars; one submission).

Conditions:
Primary ciliary dyskinesia. Also called: Ciliary dyskinesia. Identifiers: Orphanet 244, MedGen C0008780, MONDO:0016575, HP:0012265.

gnomAD v4.1: 9 of 1,613,998 alleles (0.00056%); highest among the groups gnomAD compares: Admixed American, 0.0017%; no homozygotes.

Submission:

Labcorp Genetics (formerly Invitae), Labcorp
Classification: Uncertain significance for Primary ciliary dyskinesia. Last evaluated: 2024-08-05. Review status: criteria provided, single submitter. Criteria: Invitae Variant Classification Sherloc (09022015). Collection method: clinical testing. Allele origin: germline.
Comment: This sequence change falls in intron 71 of the DNAH5 gene. It does not directly change the encoded amino acid sequence of the DNAH5 protein. It affects a nucleotide within the consensus splice site. This variant is present in population databases (no rsID available, gnomAD 0.004%). This variant has not been reported in the literature in individuals affected with DNAH5-related conditions. Variants that disrupt the consensus splice site are a relatively common cause of aberrant splicing (PMID: 17576681, 9536098). Algorithms developed to predict the effect of sequence changes on RNA splicing suggest that this variant is not likely to affect RNA splicing. In summary, the available evidence is currently insufficient to determine the role of this variant in disease. Therefore, it has been classified as a Variant of Uncertain Significance.

Literature cited by the submitters: PubMed 17576681; PubMed 9536098.

NM_001369.3(DNAH5):c.12279+6G>T

Gene: DNAH5 (dynein axonemal heavy chain 5; minus strand). Cytogenetic location: 5p15.2.
Variant type: single nucleotide variant.
Coding change: c.12279+6G>T on transcript NM_001369.3 (MANE Select); 6 bases into the intron after coding-DNA position 12279, G replaced by T.
Molecular consequence: intron variant.
Genome position (GRCh38, 1-based): chr5:13,720,994, C>A on the plus strand (G>T on the coding strand, the complement: DNAH5 is on the minus strand). VCF-style: chr5-13720994-C-A. GRCh37 (hg19) VCF-style: chr5-13721103-C-A.
Identifiers: ClinVar variation 3667470 (VCV003667470.2).
Genomic context (GRCh38, chr5:13,720,994, plus strand): 5'-CTGCATTGCTATTCTATAACCTGTAATATGAACAGCATGGCACAAAAGTAGACTATTCAG[C>A]CTTACGTTCGCCATGGTCTGCTGCAAGAGCTTCCGAGCATGGACTTCCTGGCCCTGGCCC-3'